The following is an entry in ClinVar:

ClinVar aggregate classification (germline): Uncertain significance (1 of 4 stars; one submission).

Conditions:
Neutral lipid storage myopathy (NLSDM). Also called: NEUTRAL LIPID STORAGE DISEASE WITHOUT ICHTHYOSIS. Identifiers: Orphanet 98908, MedGen C1853136, MONDO:0012545, OMIM 610717.

Allele frequency attached by ClinVar (database versions not stated): gnomAD exomes 0.00001; gnomAD 0.00004 and 0.00005.
gnomAD v4.1: 16 of 1,555,840 alleles (0.001%); highest among the groups gnomAD compares: African/African-American, 0.019%; 1 homozygote.

Submission:

Labcorp Genetics (formerly Invitae), Labcorp
Classification: Uncertain significance for Neutral lipid storage myopathy. Last evaluated: 2023-08-30. Review status: criteria provided, single submitter. Criteria: Invitae Variant Classification Sherloc (09022015). Collection method: clinical testing. Allele origin: germline.
Comment: This variant is present in population databases (no rsID available, gnomAD 0.02%). In summary, the available evidence is currently insufficient to determine the role of this variant in disease. Therefore, it has been classified as a Variant of Uncertain Significance. An algorithm developed to predict the effect of missense changes on protein structure and function (PolyPhen-2) suggests that this variant is likely to be disruptive. ClinVar contains an entry for this variant (Variation ID: 1059699). This variant has not been reported in the literature in individuals affected with PNPLA2-related conditions. This sequence change replaces arginine, which is basic and polar, with cysteine, which is neutral and slightly polar, at codon 401 of the PNPLA2 protein (p.Arg401Cys).

NM_020376.4(PNPLA2):c.1201C>T (p.Arg401Cys)

Gene: PNPLA2 (patatin like domain 2, triacylglycerol lipase; plus strand). Cytogenetic location: 11p15.5.
Variant type: single nucleotide variant.
Coding change: c.1201C>T on transcript NM_020376.4 (MANE Select); coding-DNA position 1201, C replaced by T.
Protein change: p.Arg401Cys; replaces arginine 401 with cysteine.
Molecular consequence: missense variant.
Genome position (GRCh38, 1-based): chr11:824,548, C>T. VCF-style: chr11-824548-C-T. GRCh37 (hg19) VCF-style: chr11-824548-C-T.
Other names: short protein forms R401C.
Identifiers: ClinVar variation 1059699 (VCV001059699.9), dbSNP rs973794500, ClinGen allele CA216972062.